The following is an entry in ClinVar:

ClinVar aggregate classification (germline): Uncertain significance (1 of 4 stars; one submission).

Submission:

CeGaT Center for Human Genetics Tuebingen
Classification: Uncertain significance. Last evaluated: 2022-11-01. Review status: criteria provided, single submitter. Criteria: CeGaT Center For Human Genetics Tuebingen Variant Classification Criteria Version 2. Collection method: clinical testing. Allele origin: germline. Affected: yes. Observed: 1 variant allele.
Comment: KAT6B: PM2

NM_012330.4(KAT6B):c.2015T>A (p.Ile672Asn)

Gene: KAT6B (lysine acetyltransferase 6B; plus strand). Cytogenetic location: 10q22.2.
Variant type: single nucleotide variant.
Coding change: c.2015T>A on transcript NM_012330.4 (MANE Select); coding-DNA position 2015, T replaced by A.
Protein change: p.Ile672Asn; replaces isoleucine 672 with asparagine.
Molecular consequence: missense variant. On other transcripts: intron variant (3).
Genome position (GRCh38, 1-based): chr10:74,977,337, T>A. VCF-style: chr10-74977337-T-A. GRCh37 (hg19) VCF-style: chr10-76737095-T-A.
Other names: c.1466T>A, p.Ile489Asn (NM_001370138.1, NM_001256468.2); c.1139T>A, p.Ile380Asn (NM_001370139.1, NM_001370140.1, NM_001370141.1 and 3 more transcripts); c.950T>A, p.Ile317Asn (NM_001370143.1, NM_001370144.1); c.846+7562T>A (NM_001370133.1); c.193-1887T>A (NM_001370134.1); c.193-11682T>A (NM_001370135.1); c.2015T>A, p.Ile672Asn (NM_001370136.1, NM_001370137.1); short protein forms I317N, I380N, I489N, I672N.
Identifiers: ClinVar variation 2640602 (VCV002640602.24), dbSNP rs2548964325, ClinGen allele CA377290093.